The following is an entry in ClinVar:

ClinVar aggregate classification (germline): Uncertain significance. Review status: criteria provided, multiple submitters, no conflicts (2 of 4 stars). 3 submissions from 3 submitters: Uncertain significance (3). Last evaluated 2025-04-28.

Conditions:
FG syndrome (FGS). Identifiers: MedGen C0220769, MONDO:0002010.
Familial thoracic aortic aneurysm and aortic dissection (TAAD). Also called: Thoracic aortic aneurysms and dissections. Identifiers: Orphanet 91387, MedGen C4707243, MONDO:0019625.

Allele frequency attached by ClinVar (database versions not stated): gnomAD exomes 0.00001 and 0.00004; gnomAD 0.00003; TOPMed 0.00004; ExAC 0.00005.
gnomAD v4.1: 11 of 1,209,377 alleles (0.00091%); highest among the groups gnomAD compares: East Asian, 0.0059%; no homozygotes.

Submissions (3):

Labcorp Genetics (formerly Invitae), Labcorp
Classification: Uncertain significance for FG syndrome. Last evaluated: 2025-04-28. Review status: criteria provided, single submitter. Criteria: Invitae Variant Classification Sherloc (09022015). Collection method: clinical testing. Allele origin: germline.
Comment: This sequence change replaces arginine, which is basic and polar, with histidine, which is basic and polar, at codon 540 of the MED12 protein (p.Arg540His). This variant is present in population databases (rs774363039, gnomAD 0.01%), including at least one homozygous and/or hemizygous individual. This missense change has been observed in individual(s) with autism spectrum disorder (PMID: 33023636). ClinVar contains an entry for this variant (Variation ID: 578754). An algorithm developed to predict the effect of missense changes on protein structure and function (PolyPhen-2) suggests that this variant is likely to be disruptive. In summary, the available evidence is currently insufficient to determine the role of this variant in disease. Therefore, it has been classified as a Variant of Uncertain Significance.

Women's Health and Genetics/Laboratory Corporation of America, LabCorp
Classification: Uncertain significance. Last evaluated: 2024-04-23. Review status: criteria provided, single submitter. Criteria: LabCorp Variant Classification Summary - May 2015. Collection method: clinical testing. Allele origin: germline.
Comment: Variant summary: MED12 c.1619G>A (p.Arg540His) results in a non-conservative amino acid change located in the Mediator complex, subunit Med12, LCEWAV-domain (IPR021990) of the encoded protein sequence. Four of five in-silico tools predict a damaging effect of the variant on protein function. Consensus agreement among computation tools predict no significant impact on normal splicing. However, these predictions have yet to be confirmed by functional studies. The variant allele was found at a frequency of 3.9e-05 in 181330 control chromosomes. The available data on variant occurrences in the general population are insufficient to allow any conclusion about variant significance. c.1619G>A has been reported in the literature in one unspecified individual affected with Autism (Wang_2020). These report(s) do not provide unequivocal conclusions about association of the variant with MED12-Related Disorders. To our knowledge, no experimental evidence demonstrating an impact on protein function has been reported. The following publication have been ascertained in the context of this evaluation (PMID: 33023636). ClinVar contains an entry for this variant (Variation ID: 578754). Based on the evidence outlined above, the variant was classified as uncertain significance.

Ambry Genetics
Classification: Uncertain significance for Familial thoracic aortic aneurysm and aortic dissection. Last evaluated: 2021-07-12. Review status: criteria provided, single submitter. Criteria: Ambry Variant Classification Scheme 2023. Collection method: clinical testing. Allele origin: germline.

Literature cited by the submitters: PubMed 33023636 (cited by Labcorp Genetics (formerly Invitae), Labcorp and Women's Health and Genetics/Laboratory Corporation of America, LabCorp).

NM_005120.3(MED12):c.1619G>A (p.Arg540His)

Genes: MED12 (mediator complex subunit 12; plus strand), LOC126863275 (BRD4-independent group 4 enhancer GRCh37_chrX:70342400-70343599; plus strand). Cytogenetic location: Xq13.1.
Variant type: single nucleotide variant.
Coding change: c.1619G>A on transcript NM_005120.3 (MANE Select); coding-DNA position 1619, G replaced by A.
Protein change: p.Arg540His; replaces arginine 540 with histidine.
Molecular consequence: missense variant.
Genome position (GRCh38, 1-based): chrX:71,123,595, G>A. VCF-style: chrX-71123595-G-A. GRCh37 (hg19) VCF-style: chrX-70343445-G-A.
Other names: short protein forms R540H.
Identifiers: ClinVar variation 578754 (VCV000578754.12), dbSNP rs774363039, ClinGen allele CA10444213.